The following is an entry in ClinVar:

NM_020937.4(FANCM):c.3436G>C (p.Asp1146His)

Gene: FANCM (FA complementation group M; plus strand). Cytogenetic location: 14q21.2.
Variant type: single nucleotide variant.
Coding change: c.3436G>C on transcript NM_020937.4 (MANE Select); coding-DNA position 3436, G replaced by C.
Protein change: p.Asp1146His; replaces aspartic acid 1146 with histidine.
Molecular consequence: missense variant.
Genome position (GRCh38, 1-based): chr14:45,176,190, G>C. VCF-style: chr14-45176190-G-C. GRCh37 (hg19) VCF-style: chr14-45645393-G-C.
Other names: c.3358G>C, p.Asp1120His (NM_001308133.2); short protein forms D1120H, D1146H.
Identifiers: ClinVar variation 2825998 (VCV002825998.3), dbSNP rs142077813, ClinGen allele CA389601544.

ClinVar aggregate classification (germline): Uncertain significance (1 of 4 stars; one submission).

Conditions:
Fanconi anemia (FA). Also called: Fanconi's anemia. Identifiers: Orphanet 84, MedGen C0015625, MeSH D005199, MONDO:0019391.

gnomAD v4.1: 1 of 1,614,028 alleles (0.000062%); no homozygotes.

Submission:

Labcorp Genetics (formerly Invitae), Labcorp
Classification: Uncertain significance for Fanconi anemia. Last evaluated: 2023-04-17. Review status: criteria provided, single submitter. Criteria: Invitae Variant Classification Sherloc (09022015). Collection method: clinical testing. Allele origin: germline.
Comment: In summary, the available evidence is currently insufficient to determine the role of this variant in disease. Therefore, it has been classified as a Variant of Uncertain Significance. An algorithm developed to predict the effect of missense changes on protein structure and function (PolyPhen-2) suggests that this variant is likely to be tolerated. This variant has not been reported in the literature in individuals affected with FANCM-related conditions. This variant is not present in population databases (gnomAD no frequency). This sequence change replaces aspartic acid, which is acidic and polar, with histidine, which is basic and polar, at codon 1146 of the FANCM protein (p.Asp1146His).